The following is an entry in ClinVar:

NC_000008.10:g.(?_100108520)_(100205305_?)dup

Gene: VPS13B (vacuolar protein sorting 13 homolog B; plus strand). Cytogenetic location: 8q22.2.
Variant type: Duplication.
Identifiers: ClinVar variation 2426405 (VCV002426405.3).

ClinVar aggregate classification (germline): Likely pathogenic (1 of 4 stars; one submission).

Conditions:
Cohen syndrome (COH1). Also called: Cutis verticis gyrata, retinitis pigmentosa, and sensorineural deafness; PEPPER SYNDROME. Identifiers: Orphanet 193, MedGen C0265223, MONDO:0008999, OMIM 216550.

Submission:

Labcorp Genetics (formerly Invitae), Labcorp
Classification: Likely pathogenic for Cohen syndrome. Last evaluated: 2022-06-05. Review status: criteria provided, single submitter. Criteria: Invitae Variant Classification Sherloc (09022015). Collection method: clinical testing. Allele origin: germline.
Comment: This variant results in a copy number gain of the genomic region encompassing exon(s) 4-17 of the VPS13B gene. While the exact position of this variant cannot be determined from the data, sub-genic copy number gains are generally in tandem (PMID: 25640679). This variant is predicted to be out-of-frame, and may result in an absent or disrupted protein product. Loss-of-function variants in VPS13B are known to be pathogenic (PMID: 15141358, 16648375, 20461111). This variant has not been reported in the literature in individuals affected with VPS13B-related conditions. In summary, the currently available evidence indicates that the variant is pathogenic, but additional data are needed to prove that conclusively. Therefore, this variant has been classified as Likely Pathogenic.

Literature cited by the submitters: PubMed 25640679; PubMed 15141358; PubMed 16648375; PubMed 20461111.